The following is an entry in ClinVar:

NM_152564.5(VPS13B):c.3536T>G (p.Met1179Arg)

Gene: VPS13B (vacuolar protein sorting 13 homolog B; plus strand). Cytogenetic location: 8q22.2.
Variant type: single nucleotide variant.
Coding change: c.3536T>G on transcript NM_152564.5 (MANE Select); coding-DNA position 3536, T replaced by G.
Protein change: p.Met1179Arg; replaces methionine 1179 with arginine.
Molecular consequence: missense variant.
Genome position (GRCh38, 1-based): chr8:99,467,504, T>G. VCF-style: chr8-99467504-T-G. GRCh37 (hg19) VCF-style: chr8-100479732-T-G.
Other names: c.3536T>G, p.Met1179Arg (NM_017890.5); short protein forms M1179R.
Identifiers: ClinVar variation 2993906 (VCV002993906.3), dbSNP rs2490281483, ClinGen allele CA371866097.
Genomic context (GRCh38, chr8:99,467,504, plus strand): 5'-ATAATTTCAGCATATATACCCTTCTTGGAAAACAAGTGACACTTTGCCTAGTGGAACCTA[T>G]GGGTTGCACCTCCACTCTAGCTGTCACGTCTCAAAAACTGCTTGCTACGGGACCTGATAC-3'
Protein context (NP_689777.3, residues 1169-1189): KQVTLCLVEP[Met1179Arg]GCTSTLAVTS

ClinVar aggregate classification (germline): Uncertain significance (1 of 4 stars; one submission).

Conditions:
Cohen syndrome (COH1). Also called: PEPPER SYNDROME; Cutis verticis gyrata, retinitis pigmentosa, and sensorineural deafness. Identifiers: Orphanet 193, MedGen C0265223, MONDO:0008999, OMIM 216550.

Submission:

Labcorp Genetics (formerly Invitae), Labcorp
Classification: Uncertain significance for Cohen syndrome. Last evaluated: 2022-11-17. Review status: criteria provided, single submitter. Criteria: Invitae Variant Classification Sherloc (09022015). Collection method: clinical testing. Allele origin: germline.
Comment: In summary, the available evidence is currently insufficient to determine the role of this variant in disease. Therefore, it has been classified as a Variant of Uncertain Significance. Advanced modeling of protein sequence and biophysical properties (such as structural, functional, and spatial information, amino acid conservation, physicochemical variation, residue mobility, and thermodynamic stability) performed at Invitae indicates that this missense variant is not expected to disrupt VPS13B protein function. This variant has not been reported in the literature in individuals affected with VPS13B-related conditions. This variant is not present in population databases (gnomAD no frequency). This sequence change replaces methionine, which is neutral and non-polar, with arginine, which is basic and polar, at codon 1179 of the VPS13B protein (p.Met1179Arg).